The following is an entry in ClinVar:

ClinVar aggregate classification (germline): Uncertain significance. Review status: criteria provided, multiple submitters, no conflicts (2 of 4 stars). 3 submissions from 3 submitters: Uncertain significance (3). Last evaluated 2025-08-09.

Conditions:
Nephronophthisis. Also called: Juvenile Nephronophthisis. Identifiers: Orphanet 655, MedGen C0687120, MONDO:0019005, HP:0000090.
Inborn genetic diseases. Identifiers: MedGen C0950123, MeSH D030342.
Nephronophthisis 4 (NPHP4). Also called: NEPHRONOPHTHISIS 4, JUVENILE. Identifiers: Orphanet 655, MedGen C1847013, MONDO:0011752, OMIM 606966.
Senior-Loken syndrome 4 (SLSN4). Identifiers: Orphanet 3156, MedGen C1846979, MONDO:0011756, OMIM 606996.

Allele frequency attached by ClinVar (database versions not stated): gnomAD 0.00001.

Submissions (3):

Ambry Genetics
Classification: Uncertain significance for Inborn genetic diseases. Last evaluated: 2025-08-09. Review status: criteria provided, single submitter. Criteria: Ambry Variant Classification Scheme 2023. Collection method: clinical testing. Allele origin: germline.

Fulgent Genetics
Classification: Uncertain significance for Nephronophthisis 4; Senior-Loken syndrome 4. Last evaluated: 2024-04-10. Review status: criteria provided, single submitter. Criteria: ACMG Guidelines, 2015. Collection method: clinical testing. Allele origin: germline.

Labcorp Genetics (formerly Invitae), Labcorp
Classification: Uncertain significance for Nephronophthisis. Last evaluated: 2022-05-06. Review status: criteria provided, single submitter. Criteria: Invitae Variant Classification Sherloc (09022015). Collection method: clinical testing. Allele origin: germline.
Comment: In summary, the available evidence is currently insufficient to determine the role of this variant in disease. Therefore, it has been classified as a Variant of Uncertain Significance. Algorithms developed to predict the effect of missense changes on protein structure and function (SIFT, PolyPhen-2, Align-GVGD) all suggest that this variant is likely to be tolerated. This variant has not been reported in the literature in individuals affected with NPHP4-related conditions. This variant is not present in population databases (gnomAD no frequency). This sequence change replaces glutamic acid, which is acidic and polar, with lysine, which is basic and polar, at codon 115 of the NPHP4 protein (p.Glu115Lys).

NM_015102.5(NPHP4):c.343G>A (p.Glu115Lys)

Gene: NPHP4 (nephrocystin 4; minus strand). Cytogenetic location: 1p36.31.
Variant type: single nucleotide variant.
Coding change: c.343G>A on transcript NM_015102.5 (MANE Select); coding-DNA position 343, G replaced by A.
Protein change: p.Glu115Lys; replaces glutamic acid 115 with lysine.
Molecular consequence: missense variant. On other transcripts: 5 prime UTR variant (2), non-coding transcript variant (1).
Genome position (GRCh38, 1-based): chr1:5,969,196, C>T on the plus strand (G>A on the coding strand, the complement: NPHP4 is on the minus strand). VCF-style: chr1-5969196-C-T. GRCh37 (hg19) VCF-style: chr1-6029256-C-T.
Other names: c.343G>A (NM_015102.3); c.-887G>A (NM_001291593.2); c.-1024G>A (NM_001291594.2); short protein forms E115K.
Identifiers: ClinVar variation 2198986 (VCV002198986.5), dbSNP rs2102253947, ClinGen allele CA338050460.